The following is an entry in ClinVar:

NM_000395.3(CSF2RB):c.1468G>A (p.Gly490Arg)

Gene: CSF2RB (colony stimulating factor 2 receptor subunit beta; plus strand). Cytogenetic location: 22q12.3.
Variant type: single nucleotide variant.
Coding change: c.1468G>A on transcript NM_000395.3 (MANE Select); coding-DNA position 1468, G replaced by A.
Protein change: p.Gly490Arg; replaces glycine 490 with arginine.
Molecular consequence: missense variant.
Genome position (GRCh38, 1-based): chr22:36,936,552, G>A. VCF-style: chr22-36936552-G-A. GRCh37 (hg19) VCF-style: chr22-37332594-G-A.
Other names: c.1468G>A (NM_000395.2); c.1486G>A, p.Gly496Arg (NM_001410827.1); short protein forms G490R, G496R.
Identifiers: ClinVar variation 1939361 (VCV001939361.6), dbSNP rs765241835, ClinGen allele CA10213890.

ClinVar aggregate classification (germline): Uncertain significance. Review status: criteria provided, multiple submitters, no conflicts (2 of 4 stars). 2 submissions from 2 submitters: Uncertain significance (2). Last evaluated 2025-09-06.

Conditions:
Inborn genetic diseases. Identifiers: MedGen C0950123, MeSH D030342.

Allele frequency attached by ClinVar (database versions not stated): gnomAD 0.00001; TOPMed 0.00001; gnomAD exomes 0.00002; ExAC 0.00004.
gnomAD v4.1: 26 of 1,612,534 alleles (0.0016%); highest among the groups gnomAD compares: Admixed American, 0.0033%; no homozygotes.

Submissions (2):

Labcorp Genetics (formerly Invitae), Labcorp
Classification: Uncertain significance. Last evaluated: 2025-09-06. Review status: criteria provided, single submitter. Criteria: Invitae Variant Classification Sherloc (09022015). Collection method: clinical testing. Allele origin: germline.
Comment: This sequence change replaces glycine, which is neutral and non-polar, with arginine, which is basic and polar, at codon 490 of the CSF2RB protein (p.Gly490Arg). This variant is present in population databases (rs765241835, gnomAD 0.006%). This variant has not been reported in the literature in individuals affected with CSF2RB-related conditions. ClinVar contains an entry for this variant (Variation ID: 1939361). Invitae Evidence Modeling of protein sequence and biophysical properties (such as structural, functional, and spatial information, amino acid conservation, physicochemical variation, residue mobility, and thermodynamic stability) indicates that this missense variant is expected to disrupt CSF2RB protein function with a positive predictive value of 80%. Algorithms developed to predict the effect of sequence changes on RNA splicing suggest that this variant may create or strengthen a splice site. In summary, the available evidence is currently insufficient to determine the role of this variant in disease. Therefore, it has been classified as a Variant of Uncertain Significance.

Ambry Genetics
Classification: Uncertain significance for Inborn genetic diseases. Last evaluated: 2025-08-09. Review status: criteria provided, single submitter. Criteria: Ambry Variant Classification Scheme 2023. Collection method: clinical testing. Allele origin: germline.